The following is an entry in ClinVar:

ClinVar aggregate classification (germline): Likely pathogenic (1 of 4 stars; one submission).

Conditions:
3-methylcrotonyl-CoA carboxylase 2 deficiency. Also called: METHYLCROTONYLGLYCINURIA, TYPE II; 3 alpha methylcrotonyl-CoA carboxylase 2 deficiency; 3 alpha methylcrotonylglycinuria 2; MCC 2 deficiency; Methylcrotonylglycinuria type 2. Identifiers: Orphanet 6, MedGen C1859499, MONDO:0008862, OMIM 210210.

gnomAD v4.1: 6 of 1,614,040 alleles (0.00037%); highest among the groups gnomAD compares: Admixed American, 0.0017%; no homozygotes.

Submission:

Labcorp Genetics (formerly Invitae), Labcorp
Classification: Likely pathogenic for 3-methylcrotonyl-CoA carboxylase 2 deficiency. Last evaluated: 2025-12-27. Review status: criteria provided, single submitter. Criteria: Invitae Variant Classification Sherloc (09022015). Collection method: clinical testing. Allele origin: germline.
Comment: This sequence change replaces alanine, which is neutral and non-polar, with serine, which is neutral and polar, at codon 218 of the MCCC2 protein (p.Ala218Ser). This variant is not present in population databases (gnomAD no frequency). This variant has not been reported in the literature in individuals affected with MCCC2-related conditions. ClinVar contains an entry for this variant (Variation ID: 2092940). Invitae Evidence Modeling of protein sequence and biophysical properties (such as structural, functional, and spatial information, amino acid conservation, physicochemical variation, residue mobility, and thermodynamic stability) indicates that this missense variant is expected to disrupt MCCC2 protein function with a positive predictive value of 80%. This variant disrupts the p.Ala218 amino acid residue in MCCC2. Other variant(s) that disrupt this residue have been determined to be pathogenic (PMID: 22264772; internal data). This suggests that this residue is clinically significant, and that variants that disrupt this residue are likely to be disease-causing. In summary, the currently available evidence indicates that the variant is pathogenic, but additional data are needed to prove that conclusively. Therefore, this variant has been classified as Likely Pathogenic.

Literature cited by the submitters: PubMed 22264772.

NM_022132.5(MCCC2):c.652G>T (p.Ala218Ser)

Gene: MCCC2 (methylcrotonyl-CoA carboxylase subunit 2; plus strand). Cytogenetic location: 5q13.2.
Variant type: single nucleotide variant.
Coding change: c.652G>T on transcript NM_022132.5 (MANE Select); coding-DNA position 652, G replaced by T.
Protein change: p.Ala218Ser; replaces alanine 218 with serine.
Molecular consequence: missense variant. On other transcripts: intron variant (1).
Genome position (GRCh38, 1-based): chr5:71,626,667, G>T. VCF-style: chr5-71626667-G-T. GRCh37 (hg19) VCF-style: chr5-70922494-G-T.
Other names: c.625-5454G>T (NM_001363147.1); short protein forms A218S.
Identifiers: ClinVar variation 2092940 (VCV002092940.4), dbSNP rs886043524, ClinGen allele CA359983214.